The following is an entry in ClinVar:

ClinVar aggregate classification (germline): Uncertain significance (1 of 4 stars; one submission).

Allele frequency attached by ClinVar (database versions not stated): gnomAD exomes below 0.00001; gnomAD 0.00001; TOPMed 0.00001.
gnomAD v4.1: 4 of 1,614,086 alleles (0.00025%); highest among the groups gnomAD compares: Admixed American, 0.0033%; no homozygotes.

Submission:

Labcorp Genetics (formerly Invitae), Labcorp
Classification: Uncertain significance. Last evaluated: 2022-06-22. Review status: criteria provided, single submitter. Criteria: Invitae Variant Classification Sherloc (09022015). Collection method: clinical testing. Allele origin: germline.
Comment: In summary, the available evidence is currently insufficient to determine the role of this variant in disease. Therefore, it has been classified as a Variant of Uncertain Significance. Algorithms developed to predict the effect of missense changes on protein structure and function output the following: SIFT: "Deleterious"; PolyPhen-2: "Benign"; Align-GVGD: "Class C15". The phenylalanine amino acid residue is found in multiple mammalian species, which suggests that this missense change does not adversely affect protein function. This variant has not been reported in the literature in individuals affected with FAT2-related conditions. This variant is present in population databases (no rsID available, gnomAD 0.003%). This sequence change replaces serine, which is neutral and polar, with phenylalanine, which is neutral and non-polar, at codon 2449 of the FAT2 protein (p.Ser2449Phe).

NM_001447.3(FAT2):c.7346C>T (p.Ser2449Phe)

Genes: FAT2 (FAT atypical cadherin 2; minus strand), SLC36A1 (solute carrier family 36 member 1; plus strand). Cytogenetic location: 5q33.1.
Variant type: single nucleotide variant.
Coding change: c.7346C>T on transcript NM_001447.3 (MANE Select); coding-DNA position 7346, C replaced by T.
Protein change: p.Ser2449Phe; replaces serine 2449 with phenylalanine.
Molecular consequence: missense variant.
Genome position (GRCh38, 1-based): chr5:151,543,781, G>A on the plus strand (C>T on the coding strand, the complement: FAT2 is on the minus strand). VCF-style: chr5-151543781-G-A. GRCh37 (hg19) VCF-style: chr5-150923342-G-A.
Other names: short protein forms S2449F.
Identifiers: ClinVar variation 1946946 (VCV001946946.5), dbSNP rs1422280970, ClinGen allele CA361835679.
Genomic context (GRCh38, chr5:151,543,781, plus strand): 5'-ATGTACACAGGCACAGTTGCTCGGAAGACTCCATCAGAAGCACCTACCCTCAAATTGTAA[G>A]AAGAGTCCAGGTGCTTTTTGCAAAGGTTGAACATAGAAATTATTCCCGATGAGCTGTTAA-3'
Protein context (NP_001438.1, residues 2439-2459): FNLCKKHLDS[Ser2449Phe]YNLRVGASDG